The following is an entry in ClinVar:

NM_001122681.2(SH3BP2):c.716C>G (p.Pro239Arg)

Gene: SH3BP2 (SH3 domain binding protein 2; plus strand). Cytogenetic location: 4p16.3.
Variant type: single nucleotide variant.
Coding change: c.716C>G on transcript NM_001122681.2 (MANE Select); coding-DNA position 716, C replaced by G.
Protein change: p.Pro239Arg; replaces proline 239 with arginine.
Molecular consequence: missense variant.
Genome position (GRCh38, 1-based): chr4:2,829,622, C>G. VCF-style: chr4-2829622-C-G. GRCh37 (hg19) VCF-style: chr4-2831349-C-G.
Other names: c.800C>G, p.Pro267Arg (NM_001145855.2); c.887C>G, p.Pro296Arg (NM_001145856.2); c.716C>G, p.Pro239Arg (NM_003023.4); short protein forms P239R, P267R, P296R.
Identifiers: ClinVar variation 2799990 (VCV002799990.3), dbSNP rs770940629, ClinGen allele CA2819303.

ClinVar aggregate classification (germline): Uncertain significance (1 of 4 stars; one submission).

Conditions:
Fibrous dysplasia of jaw (CRBM). Also called: Cherubism. Identifiers: Orphanet 184, MedGen C0008029, MONDO:0007315, OMIM 118400.

Allele frequency attached by ClinVar (database versions not stated): gnomAD exomes below 0.00001; ExAC 0.00002.
gnomAD v4.1: 1 of 1,612,846 alleles (0.000062%); highest among the groups gnomAD compares: Non-Finnish European, 0.000085%; no homozygotes.

Submission:

Labcorp Genetics (formerly Invitae), Labcorp
Classification: Uncertain significance for Fibrous dysplasia of jaw. Last evaluated: 2023-06-28. Review status: criteria provided, single submitter. Criteria: Invitae Variant Classification Sherloc (09022015). Collection method: clinical testing. Allele origin: germline.
Comment: In summary, the available evidence is currently insufficient to determine the role of this variant in disease. Therefore, it has been classified as a Variant of Uncertain Significance. This sequence change replaces proline, which is neutral and non-polar, with arginine, which is basic and polar, at codon 239 of the SH3BP2 protein (p.Pro239Arg). This variant is present in population databases (rs770940629, gnomAD 0.0009%). This variant has not been reported in the literature in individuals affected with SH3BP2-related conditions. Advanced modeling of protein sequence and biophysical properties (such as structural, functional, and spatial information, amino acid conservation, physicochemical variation, residue mobility, and thermodynamic stability) performed at Invitae indicates that this missense variant is not expected to disrupt SH3BP2 protein function.